The following is an entry in ClinVar:

ClinVar aggregate classification (germline): Uncertain significance (1 of 4 stars; one submission).

Allele frequency attached by ClinVar (database versions not stated): TOPMed below 0.00001.
gnomAD v4.1: 2 of 1,612,344 alleles (0.00012%); highest among the groups gnomAD compares: Non-Finnish European, 0.00017%; no homozygotes.

Submission:

Labcorp Genetics (formerly Invitae), Labcorp
Classification: Uncertain significance. Last evaluated: 2025-07-30. Review status: criteria provided, single submitter. Criteria: Invitae Variant Classification Sherloc (09022015). Collection method: clinical testing. Allele origin: germline.
Comment: This sequence change replaces serine, which is neutral and polar, with asparagine, which is neutral and polar, at codon 1129 of the ALPK1 protein (p.Ser1129Asn). This variant is present in population databases (no rsID available, gnomAD 0.0009%). This variant has not been reported in the literature in individuals affected with ALPK1-related conditions. ClinVar contains an entry for this variant (Variation ID: 2992431). An algorithm developed to predict the effect of missense changes on protein structure and function (PolyPhen-2) suggests that this variant is likely to be disruptive. In summary, the available evidence is currently insufficient to determine the role of this variant in disease. Therefore, it has been classified as a Variant of Uncertain Significance.

NM_025144.4(ALPK1):c.3386G>A (p.Ser1129Asn)

Gene: ALPK1 (alpha kinase 1; plus strand). Cytogenetic location: 4q25.
Variant type: single nucleotide variant.
Coding change: c.3386G>A on transcript NM_025144.4 (MANE Select); coding-DNA position 3386, G replaced by A.
Protein change: p.Ser1129Asn; replaces serine 1129 with asparagine.
Molecular consequence: missense variant.
Genome position (GRCh38, 1-based): chr4:112,439,720, G>A. VCF-style: chr4-112439720-G-A. GRCh37 (hg19) VCF-style: chr4-113360876-G-A.
Other names: c.3386G>A, p.Ser1129Asn (NM_001102406.2); c.3152G>A, p.Ser1051Asn (NM_001253884.2); short protein forms S1129N, S1051N.
Identifiers: ClinVar variation 2992431 (VCV002992431.3), dbSNP rs1256185995, ClinGen allele CA357908672.